The following is an entry in ClinVar:

ClinVar aggregate classification (germline): Uncertain significance (1 of 4 stars; one submission).

Conditions:
Ehlers-Danlos syndrome, classic type, 1 (EDSCL1). Also called: EHLERS-DANLOS SYNDROME, GRAVIS TYPE; EHLERS-DANLOS SYNDROME, SEVERE CLASSIC TYPE; Ehlers-Danlos syndrome, type 1; Ehlers-Danlos Syndrome, Classic Type, COL5A1-Related; EDS I. Identifiers: MedGen C0268335, MONDO:0019567, OMIM 130000.
Osteogenesis imperfecta type I (OI1). Also called: OI, TYPE I; OSTEOGENESIS IMPERFECTA TARDA; OSTEOGENESIS IMPERFECTA WITH BLUE SCLERAE; Osteogenesis imperfecta type 1; Lobstein's Disease; Lobstein disease. Identifiers: Orphanet 216796, Orphanet 666, MedGen C0023931, MONDO:0008146, OMIM 166200. Disease mechanism: loss of function.

Submission:

Labcorp Genetics (formerly Invitae), Labcorp
Classification: Uncertain significance for Osteogenesis imperfecta type I; Ehlers-Danlos syndrome, classic type, 1. Last evaluated: 2024-07-02. Review status: criteria provided, single submitter. Criteria: Invitae Variant Classification Sherloc (09022015). Collection method: clinical testing. Allele origin: germline.
Comment: This sequence change replaces glutamic acid, which is acidic and polar, with glutamine, which is neutral and polar, at codon 1355 of the COL1A2 protein (p.Glu1355Gln). This variant is not present in population databases (gnomAD no frequency). This variant has not been reported in the literature in individuals affected with COL1A2-related conditions. Advanced modeling of protein sequence and biophysical properties (such as structural, functional, and spatial information, amino acid conservation, physicochemical variation, residue mobility, and thermodynamic stability) performed at Invitae indicates that this missense variant is not expected to disrupt COL1A2 protein function with a negative predictive value of 80%. In summary, the available evidence is currently insufficient to determine the role of this variant in disease. Therefore, it has been classified as a Variant of Uncertain Significance.

NM_000089.4(COL1A2):c.4063G>C (p.Glu1355Gln)

Gene: COL1A2 (collagen type I alpha 2 chain; plus strand). Cytogenetic location: 7q21.3.
Variant type: single nucleotide variant.
Coding change: c.4063G>C on transcript NM_000089.4 (MANE Select); coding-DNA position 4063, G replaced by C.
Protein change: p.Glu1355Gln; replaces glutamic acid 1355 with glutamine.
Molecular consequence: missense variant.
Genome position (GRCh38, 1-based): chr7:94,430,355, G>C. VCF-style: chr7-94430355-G-C. GRCh37 (hg19) VCF-style: chr7-94059667-G-C.
Other names: short protein forms E1355Q.
Identifiers: ClinVar variation 3757105 (VCV003757105.2).